The following is an entry in ClinVar:

ClinVar aggregate classification (germline): Uncertain significance (1 of 4 stars; one submission).

Allele frequency attached by ClinVar (database versions not stated): ExAC 0.00001; gnomAD 0.00001; gnomAD exomes 0.00001; TOPMed 0.00002.
gnomAD v4.1: 11 of 1,609,044 alleles (0.00068%); highest among the groups gnomAD compares: Middle Eastern, 0.017%; no homozygotes.

Submission:

Labcorp Genetics (formerly Invitae), Labcorp
Classification: Uncertain significance. Last evaluated: 2024-12-26. Review status: criteria provided, single submitter. Criteria: Invitae Variant Classification Sherloc (09022015). Collection method: clinical testing. Allele origin: germline.
Comment: This sequence change replaces arginine, which is basic and polar, with glutamine, which is neutral and polar, at codon 545 of the TAOK2 protein (p.Arg545Gln). This variant is present in population databases (rs755300621, gnomAD 0.02%). This variant has not been reported in the literature in individuals affected with TAOK2-related conditions. ClinVar contains an entry for this variant (Variation ID: 2980347). An algorithm developed to predict the effect of missense changes on protein structure and function (PolyPhen-2) suggests that this variant is likely to be disruptive. In summary, the available evidence is currently insufficient to determine the role of this variant in disease. Therefore, it has been classified as a Variant of Uncertain Significance.

NM_016151.4(TAOK2):c.1634G>A (p.Arg545Gln)

Gene: TAOK2 (TAO kinase 2; plus strand). Cytogenetic location: 16p11.2.
Variant type: single nucleotide variant.
Coding change: c.1634G>A on transcript NM_016151.4 (MANE Select); coding-DNA position 1634, G replaced by A.
Protein change: p.Arg545Gln; replaces arginine 545 with glutamine.
Molecular consequence: missense variant.
Genome position (GRCh38, 1-based): chr16:29,985,424, G>A. VCF-style: chr16-29985424-G-A. GRCh37 (hg19) VCF-style: chr16-29996745-G-A.
Other names: c.1634G>A, p.Arg545Gln (NM_001252043.2, NM_004783.4); short protein forms R545Q.
Identifiers: ClinVar variation 2980347 (VCV002980347.3), dbSNP rs755300621, ClinGen allele CA7998182.
Genomic context (GRCh38, chr16:29,985,424, plus strand): 5'-AGCGGGAGCTTGAGGCGCAGCGGGCTGGCTTTGGGGCAGAGGCAGAAAAGCTGGCCCGGC[G>A]GCACCAGGCCATAGGTGAGAAGGAGGCACGAGCTGCCCAGGCCGAGGAGCGGAAGTTCCA-3'
Protein context (NP_057235.2, residues 535-555): FGAEAEKLAR[Arg545Gln]HQAIGEKEAR